The following is an entry in ClinVar:

ClinVar aggregate classification (germline): Uncertain significance (1 of 4 stars; one submission).

Conditions:
Hereditary cancer-predisposing syndrome. Also called: Neoplastic Syndromes, Hereditary; Tumor predisposition; Hereditary Cancer Syndrome; Hereditary neoplastic syndrome. Identifiers: Orphanet 140162, MedGen C0027672, MeSH D009386, MONDO:0015356.

Submission:

Ambry Genetics
Classification: Uncertain significance for Hereditary cancer-predisposing syndrome. Last evaluated: 2025-10-01. Review status: criteria provided, single submitter. Criteria: Ambry Variant Classification Scheme 2023. Collection method: clinical testing. Allele origin: germline.
Comment: The p.S1028C variant (also known as c.3082A>T), located in coding exon 15 of the APC gene, results from an A to T substitution at nucleotide position 3082. The serine at codon 1028 is replaced by cysteine, an amino acid with dissimilar properties. Other variant(s) at the same codon, p.S1028N (c.3083G>A), have been identified in individual(s) with features consistent with APC-related familial adenomatous polyposis (Ambry internal data). This amino acid position is highly conserved in available vertebrate species. Based on the available evidence, the clinical significance of this variant remains unclear.

NM_000038.6(APC):c.3082A>T (p.Ser1028Cys)

Gene: APC (APC regulator of Wnt signaling pathway; plus strand). Cytogenetic location: 5q22.2.
Variant type: single nucleotide variant.
Coding change: c.3082A>T on transcript NM_000038.6 (MANE Select); coding-DNA position 3082, A replaced by T.
Protein change: p.Ser1028Cys; replaces serine 1028 with cysteine.
Molecular consequence: missense variant. On other transcripts: non-coding transcript variant (2).
Genome position (GRCh38, 1-based): chr5:112,838,676, A>T. VCF-style: chr5-112838676-A-T. GRCh37 (hg19) VCF-style: chr5-112174373-A-T.
Other names: c.3136A>T, p.Ser1046Cys (NM_001407448.1, NM_001407449.1, NM_001354896.2 and 1 more transcripts); c.3082A>T, p.Ser1028Cys (NM_001407450.1, NM_001127510.3, NM_001354895.2); c.3061A>T, p.Ser1021Cys (NM_001407451.1); c.3052A>T, p.Ser1018Cys (NM_001407452.1); c.2905A>T, p.Ser969Cys (NM_001407453.1, NM_001354901.2); c.2833A>T, p.Ser945Cys (NM_001407454.1, NM_001407455.1, NM_001407456.1 and 1 more transcripts); c.2779A>T, p.Ser927Cys (NM_001407458.1, NM_001407459.1, NM_001407460.1 and 1 more transcripts); c.2695A>T, p.Ser899Cys (NM_001407467.1, NM_001407469.1); and 11 more; short protein forms S1000C, S745C, S937C, S987C, S1003C, S1018C, S1021C, S644C.
Identifiers: ClinVar variation 4578686 (VCV004578686.1).
Genomic context (GRCh38, chr5:112,838,676, plus strand): 5'-ATACATAGTGCAAATCATATGGATGATAATGATGGAGAACTAGATACACCAATAAATTAT[A>T]GTCTTAAATATTCAGATGAGCAGTTGAACTCTGGAAGGCAAAGTCCTTCACAGAATGAAA-3'
Protein context (NP_000029.2, residues 1018-1038): DGELDTPINY[Ser1028Cys]LKYSDEQLNS